The following is an entry in ClinVar:

NM_002180.3(IGHMBP2):c.2561A>G (p.Gln854Arg)

Gene: IGHMBP2 (immunoglobulin mu DNA binding protein 2; plus strand). Cytogenetic location: 11q13.3.
Variant type: single nucleotide variant.
Coding change: c.2561A>G on transcript NM_002180.3 (MANE Select); coding-DNA position 2561, A replaced by G.
Protein change: p.Gln854Arg; replaces glutamine 854 with arginine.
Molecular consequence: missense variant.
Genome position (GRCh38, 1-based): chr11:68,937,041, A>G. VCF-style: chr11-68937041-A-G. GRCh37 (hg19) VCF-style: chr11-68704509-A-G.
Other names: short protein forms Q854R.
Identifiers: ClinVar variation 643088 (VCV000643088.6), dbSNP rs1300949116, ClinGen allele CA381653994.
Genomic context (GRCh38, chr11:68,937,041, plus strand): 5'-ACCTGGAGAGACTGCAGAGGGTCAGGAGCGCGCAGGGGCAGCCCGCCAGCAAGGAGCAGC[A>G]GGCCTCAGGGCAGCAGAAACTTCCAGAAAAGAAAAAGAAAAAAGCCAAAGGTAAGTCAAC-3'
Protein context (NP_002171.2, residues 844-864): AQGQPASKEQ[Gln854Arg]ASGQQKLPEK

ClinVar aggregate classification (germline): Uncertain significance. Review status: criteria provided, single submitter (1 of 4 stars). 2 submissions from 2 submitters: Uncertain significance (1). 1 of the submissions does not count toward it. Last evaluated 2023-11-27.

Conditions:
Autosomal recessive distal spinal muscular atrophy 1. Also called: NEURONOPATHY, DISTAL HEREDITARY MOTOR, HARDING TYPE VI; NEUROPATHY, DISTAL HEREDITARY MOTOR, AUTOSOMAL RECESSIVE 1; SEVERE INFANTILE AXONAL NEUROPATHY WITH RESPIRATORY FAILURE; SPINAL MUSCULAR ATROPHY, DIAPHRAGMATIC; HMN VI; NEURONOPATHY, SEVERE INFANTILE AXONAL, WITH RESPIRATORY FAILURE. Identifiers: Orphanet 98920, MedGen C1858517, MONDO:0011436, OMIM 604320.
Charcot-Marie-Tooth disease axonal type 2S. Also called: CHARCOT-MARIE-TOOTH DISEASE, AXONAL, AUTOSOMAL RECESSIVE, TYPE 2S; CHARCOT-MARIE-TOOTH NEUROPATHY, TYPE 2S. Identifiers: Orphanet 443073, MedGen C4015349, MONDO:0014511, OMIM 616155.
Charcot-Marie-Tooth disease. Also called: Charcot-Marie-Tooth Neuropathy; Charcot-Marie-Tooth Hereditary Neuropathy. Identifiers: Orphanet 166, MedGen C0007959, MONDO:0015626.

Allele frequency attached by ClinVar (database versions not stated): gnomAD 0.00001; TOPMed 0.00001; gnomAD exomes 0.00002.
gnomAD v4.1: 28 of 1,606,760 alleles (0.0017%); highest among the groups gnomAD compares: Non-Finnish European, 0.0023%; no homozygotes.

Submissions (2):

Labcorp Genetics (formerly Invitae), Labcorp
Classification: Uncertain significance for Autosomal recessive distal spinal muscular atrophy 1; Charcot-Marie-Tooth disease axonal type 2S. Last evaluated: 2023-11-27. Review status: criteria provided, single submitter. Criteria: Invitae Variant Classification Sherloc (09022015). Collection method: clinical testing. Allele origin: germline.
Comment: This sequence change replaces glutamine, which is neutral and polar, with arginine, which is basic and polar, at codon 854 of the IGHMBP2 protein (p.Gln854Arg). This variant is not present in population databases (gnomAD no frequency). This variant has not been reported in the literature in individuals affected with IGHMBP2-related conditions. ClinVar contains an entry for this variant (Variation ID: 643088). Advanced modeling of protein sequence and biophysical properties (such as structural, functional, and spatial information, amino acid conservation, physicochemical variation, residue mobility, and thermodynamic stability) performed at Invitae indicates that this missense variant is not expected to disrupt IGHMBP2 protein function with a negative predictive value of 95%. In summary, the available evidence is currently insufficient to determine the role of this variant in disease. Therefore, it has been classified as a Variant of Uncertain Significance.

Genesis Genome Database
Classification: Uncertain significance for Charcot-Marie-Tooth disease. Last evaluated: 2019-08-14. Review status: no assertion criteria provided. Collection method: research. Allele origin: germline. Affected: yes. Not counted in ClinVar's aggregate classification.